The following is an entry in ClinVar:

ClinVar aggregate classification (germline): Likely pathogenic (1 of 4 stars; one submission).

Conditions:
AHI1-related disorder. Also called: AHI1-related condition.

Submission:

PreventionGenetics, part of Exact Sciences
Classification: Likely pathogenic for AHI1-related condition. Last evaluated: 2023-05-18. Review status: criteria provided, single submitter. Criteria: ACMG Guidelines, 2015. Collection method: clinical testing. Allele origin: germline.
Comment: The AHI1 c.300dupA variant is predicted to result in a frameshift and premature protein termination (p.Leu101Ilefs*9). To our knowledge, this variant has not been reported in the literature or in a large population database, indicating this variant is rare. Frameshift variants in AHI1 are expected to be pathogenic. This variant is interpreted as likely pathogenic.

NM_001134831.2(AHI1):c.300dup (p.Leu101fs)

Gene: AHI1 (Abelson helper integration site 1; minus strand). Cytogenetic location: 6q23.3.
Variant type: Duplication.
Coding change: c.300dup on transcript NM_001134831.2 (MANE Select); coding-DNA position 300, one base duplicated (A; older notation c.300dupA).
Protein change: p.Leu101fs; shifts the reading frame from leucine 101.
Molecular consequence: frameshift variant.
Genome position (GRCh38, 1-based): chr6:135,466,263, T duplicated on the plus strand (A on the coding strand, the reverse complement: AHI1 is on the minus strand); the first of 3 consecutive T bases (chr6:135,466,263-135,466,265); duplicating any one gives the same sequence. VCF-style (leftmost placement, unchanged base first): chr6-135466262-A-AT. GRCh37 (hg19) VCF-style: chr6-135787400-A-AT.
Other names: c.300dup, p.Leu101fs (NM_001134830.2, NM_001134832.2, NM_001350503.2 and 2 more transcripts); short protein forms L101fs.
Identifiers: ClinVar variation 2632772 (VCV002632772.1), dbSNP rs2485022126, ClinGen allele CA2695198359.